The following is an entry in ClinVar:

NM_024577.4(SH3TC2):c.766C>T (p.Leu256Phe)

Gene: SH3TC2 (SH3 domain and tetratricopeptide repeats 2; minus strand). Cytogenetic location: 5q32.
Variant type: single nucleotide variant.
Coding change: c.766C>T on transcript NM_024577.4 (MANE Select); coding-DNA position 766, C replaced by T.
Protein change: p.Leu256Phe; replaces leucine 256 with phenylalanine.
Molecular consequence: missense variant.
Genome position (GRCh38, 1-based): chr5:149,040,643, G>A on the plus strand (C>T on the coding strand, the complement: SH3TC2 is on the minus strand). VCF-style: chr5-149040643-G-A. GRCh37 (hg19) VCF-style: chr5-148420206-G-A.
Other names: short protein forms L256F.
Identifiers: ClinVar variation 1915181 (VCV001915181.5), dbSNP rs771275835, ClinGen allele CA3499398.

ClinVar aggregate classification (germline): Uncertain significance (1 of 4 stars; one submission).

Conditions:
Charcot-Marie-Tooth disease type 4. Also called: Charcot-Marie-Tooth disease, type IV; Charcot-Marie-Tooth, Type 4. Identifiers: Orphanet 64749, MedGen C4082197, MONDO:0018995.

Allele frequency attached by ClinVar (database versions not stated): TOPMed below 0.00001; ExAC 0.00001.
gnomAD v4.1: 21 of 1,614,148 alleles (0.0013%); highest among the groups gnomAD compares: Non-Finnish European, 0.0018%; no homozygotes.

Submission:

Labcorp Genetics (formerly Invitae), Labcorp
Classification: Uncertain significance for Charcot-Marie-Tooth disease type 4. Last evaluated: 2024-01-15. Review status: criteria provided, single submitter. Criteria: Invitae Variant Classification Sherloc (09022015). Collection method: clinical testing. Allele origin: germline.
Comment: This sequence change replaces leucine, which is neutral and non-polar, with phenylalanine, which is neutral and non-polar, at codon 256 of the SH3TC2 protein (p.Leu256Phe). This variant is present in population databases (rs771275835, gnomAD 0.003%). This variant has not been reported in the literature in individuals affected with SH3TC2-related conditions. ClinVar contains an entry for this variant (Variation ID: 1915181). Advanced modeling of protein sequence and biophysical properties (such as structural, functional, and spatial information, amino acid conservation, physicochemical variation, residue mobility, and thermodynamic stability) performed at Invitae indicates that this missense variant is not expected to disrupt SH3TC2 protein function with a negative predictive value of 95%. In summary, the available evidence is currently insufficient to determine the role of this variant in disease. Therefore, it has been classified as a Variant of Uncertain Significance.